The following is an entry in ClinVar:

NM_000051.4(ATM):c.7927+8T>G

Genes: ATM (ATM serine/threonine kinase; plus strand), C11orf65 (chromosome 11 open reading frame 65; minus strand). Cytogenetic location: 11q22.3.
Variant type: single nucleotide variant.
Coding change: c.7927+8T>G on transcript NM_000051.4 (MANE Select); 8 bases into the intron after coding-DNA position 7927, T replaced by G.
Molecular consequence: intron variant.
Genome position (GRCh38, 1-based): chr11:108,332,908, T>G. VCF-style: chr11-108332908-T-G. GRCh37 (hg19) VCF-style: chr11-108203635-T-G.
Other names: c.7927+8T>G (NM_001351834.2); c.641-23837A>C (NM_001330368.2); c.*38+2312A>C (NM_001351110.2).
Identifiers: ClinVar variation 3253930 (VCV003253930.1), dbSNP rs2547302021.
Genomic context (GRCh38, chr11:108,332,908, plus strand): 5'-TGCTTATATTATATTAGCAAACTTAGATGCCACTCAGTGGAAGACTCAGAGAAGTATGTT[T>G]TTTTTAAAGAAGAAACGTTACTTTCTTGCTGTGTTACTCTCTGTAGAGATATATTAGTTA-3'

ClinVar aggregate classification (germline): Likely benign (1 of 4 stars; one submission).

Conditions:
Familial cancer of breast. Also called: hereditary breast carcinoma; BREAST CANCER, FAMILIAL; Hereditary breast cancer. Identifiers: Orphanet 227535, MedGen C0346153, MONDO:0016419, OMIM 114480. Disease mechanism: loss of function.

Allele frequency attached by ClinVar (database versions not stated): gnomAD exomes below 0.00001.
gnomAD v4.1: 2 of 1,610,726 alleles (0.00012%); highest among the groups gnomAD compares: Non-Finnish European, 0.00017%; no homozygotes.

Submission:

Myriad Genetics, Inc.
Classification: Likely benign for Familial cancer of breast. Last evaluated: 2024-06-17. Review status: criteria provided, single submitter. Criteria: Myriad Autosomal Dominant, Autosomal Recessive and X-Linked Classification Criteria (2023). Collection method: clinical testing. Allele origin: unknown.
Comment: This variant is considered likely benign. This variant is intronic and is not expected to impact mRNA splicing.